The following is an entry in ClinVar:

NM_000465.4(BARD1):c.1175C>T (p.Pro392Leu)

Gene: BARD1 (BRCA1 associated RING domain 1; minus strand). Cytogenetic location: 2q35.
Variant type: single nucleotide variant.
Coding change: c.1175C>T on transcript NM_000465.4 (MANE Select); coding-DNA position 1175, C replaced by T.
Protein change: p.Pro392Leu; replaces proline 392 with leucine.
Molecular consequence: missense variant. On other transcripts: non-coding transcript variant (2), intron variant (3).
Genome position (GRCh38, 1-based): chr2:214,780,699, G>A on the plus strand (C>T on the coding strand, the complement: BARD1 is on the minus strand). VCF-style: chr2-214780699-G-A. GRCh37 (hg19) VCF-style: chr2-215645423-G-A.
Other names: c.1118C>T, p.Pro373Leu (NM_001282543.2); c.159-28144C>T (NM_001282548.2); c.215+16362C>T (NM_001282545.2); c.364+11598C>T (NM_001282549.2); c.1175C>T (NM_000465.2); short protein forms P392L, P373L.
Identifiers: ClinVar variation 530157 (VCV000530157.16), dbSNP rs1553622210, ClinGen allele CA350453857.
Genomic context (GRCh38, chr2:214,780,699, plus strand): 5'-GAGGGACTAGACATCACTCGCCTGTAACTTGAACTACTTAATGTAGAAGGTGGTGTACCT[G>A]GTGAAAGACTAATGAATTCATCGGACATGTTACTGTTTTTCCTCCCTGATGTACCACCAA-3'
Protein context (NP_000456.2, residues 382-402): NMSDEFISLS[Pro392Leu]GTPPSTLSSS

ClinVar aggregate classification (germline): Uncertain significance. Review status: criteria provided, multiple submitters, no conflicts (2 of 4 stars). 3 submissions from 3 submitters: Uncertain significance (3). Last evaluated 2024-04-08.

Conditions:
Familial cancer of breast. Also called: BREAST CANCER, FAMILIAL; Hereditary breast cancer; hereditary breast carcinoma. Identifiers: Orphanet 227535, MedGen C0346153, MONDO:0016419, OMIM 114480. Disease mechanism: loss of function.
Hereditary cancer-predisposing syndrome. Also called: Hereditary neoplastic syndrome; Neoplastic Syndromes, Hereditary; Hereditary Cancer Syndrome; Tumor predisposition. Identifiers: Orphanet 140162, MedGen C0027672, MeSH D009386, MONDO:0015356.

Allele frequency attached by ClinVar (database versions not stated): gnomAD exomes 0.00001.
gnomAD v4.1: 12 of 1,614,066 alleles (0.00074%); highest among the groups gnomAD compares: East Asian, 0.013%; no homozygotes.

Submissions (3):

Labcorp Genetics (formerly Invitae), Labcorp
Classification: Uncertain significance for Familial cancer of breast. Last evaluated: 2024-04-08. Review status: criteria provided, single submitter. Criteria: Invitae Variant Classification Sherloc (09022015). Collection method: clinical testing. Allele origin: germline.
Comment: This sequence change replaces proline, which is neutral and non-polar, with leucine, which is neutral and non-polar, at codon 392 of the BARD1 protein (p.Pro392Leu). This variant is not present in population databases (gnomAD no frequency). This variant has not been reported in the literature in individuals affected with BARD1-related conditions. ClinVar contains an entry for this variant (Variation ID: 530157). An algorithm developed to predict the effect of missense changes on protein structure and function (PolyPhen-2) suggests that this variant is likely to be disruptive. In summary, the available evidence is currently insufficient to determine the role of this variant in disease. Therefore, it has been classified as a Variant of Uncertain Significance.

Color Diagnostics, LLC DBA Color Health
Classification: Uncertain significance for Hereditary cancer-predisposing syndrome. Last evaluated: 2024-03-06. Review status: criteria provided, single submitter. Criteria: ACMG Guidelines, 2015. Collection method: clinical testing. Allele origin: germline.
Comment: This missense variant replaces proline with leucine at codon 392 of the BARD1 protein. Computational prediction suggests that this variant may not impact protein structure and function (internally defined REVEL score threshold <= 0.5, PMID: 27666373). To our knowledge, functional studies have not been reported for this variant. This variant has not been reported in individuals affected with hereditary cancer in the literature. This variant has not been identified in the general population by the Genome Aggregation Database (gnomAD). The available evidence is insufficient to determine the role of this variant in disease conclusively. Therefore, this variant is classified as a Variant of Uncertain Significance.

Ambry Genetics
Classification: Uncertain significance for Hereditary cancer-predisposing syndrome. Last evaluated: 2022-10-25. Review status: criteria provided, single submitter. Criteria: Ambry Variant Classification Scheme 2023. Collection method: clinical testing. Allele origin: germline.
Comment: The p.P392L variant (also known as c.1175C>T), located in coding exon 4 of the BARD1 gene, results from a C to T substitution at nucleotide position 1175. The proline at codon 392 is replaced by leucine, an amino acid with similar properties. This amino acid position is well conserved in available vertebrate species. In addition, the in silico prediction for this alteration is inconclusive. Since supporting evidence is limited at this time, the clinical significance of this alteration remains unclear.